The following is an entry in ClinVar:

ClinVar aggregate classification (germline): Uncertain significance (1 of 4 stars; one submission).

gnomAD v4.1: 7 of 1,605,090 alleles (0.00044%); highest among the groups gnomAD compares: African/African-American, 0.0054%; no homozygotes.

Submission:

Labcorp Genetics (formerly Invitae), Labcorp
Classification: Uncertain significance. Last evaluated: 2024-08-20. Review status: criteria provided, single submitter. Criteria: Invitae Variant Classification Sherloc (09022015). Collection method: clinical testing. Allele origin: germline.
Comment: This sequence change replaces cysteine, which is neutral and slightly polar, with tyrosine, which is neutral and polar, at codon 31 of the TRAPPC3 protein (p.Cys31Tyr). This variant is present in population databases (no rsID available, gnomAD no frequency). This variant has not been reported in the literature in individuals affected with TRAPPC3-related conditions. Experimental studies and prediction algorithms are not available or were not evaluated, and the functional significance of this variant is currently unknown. In summary, the available evidence is currently insufficient to determine the role of this variant in disease. Therefore, it has been classified as a Variant of Uncertain Significance.

NM_014408.5(TRAPPC3):c.92G>A (p.Cys31Tyr)

Gene: TRAPPC3 (trafficking protein particle complex subunit 3; minus strand). Cytogenetic location: 1p34.3.
Variant type: single nucleotide variant.
Coding change: c.92G>A on transcript NM_014408.5 (MANE Select); coding-DNA position 92, G replaced by A.
Protein change: p.Cys31Tyr; replaces cysteine 31 with tyrosine.
Molecular consequence: missense variant. On other transcripts: 5 prime UTR variant (2), intron variant (1).
Genome position (GRCh38, 1-based): chr1:36,140,117, C>T on the plus strand (G>A on the coding strand, the complement: TRAPPC3 is on the minus strand). VCF-style: chr1-36140117-C-T. GRCh37 (hg19) VCF-style: chr1-36605718-C-T.
Other names: c.92G>A, p.Cys31Tyr (NM_001270894.2); c.-47G>A (NM_001270895.2, NM_001270896.2); c.43-2139G>A (NM_001270897.2); short protein forms C31Y.
Identifiers: ClinVar variation 3603825 (VCV003603825.2).